The following is an entry in ClinVar:

ClinVar aggregate classification (germline): Conflicting classifications of pathogenicity. Review status: criteria provided, conflicting classifications (1 of 4 stars). 2 submissions from 2 submitters: Likely pathogenic (1); Uncertain significance (1). Last evaluated 2025-11-10.

Conditions:
Hereditary cancer-predisposing syndrome. Also called: Tumor predisposition; Neoplastic Syndromes, Hereditary; Hereditary Cancer Syndrome; Hereditary neoplastic syndrome. Identifiers: Orphanet 140162, MedGen C0027672, MeSH D009386, MONDO:0015356.

Submissions (2):

Ambry Genetics
Classification: Likely pathogenic for Hereditary cancer-predisposing syndrome. Last evaluated: 2025-11-10. Review status: criteria provided, single submitter. Criteria: Ambry Variant Classification Scheme 2023. Collection method: clinical testing. Allele origin: germline.
Comment: The c.132+5G>C intronic variant results from a G to C substitution 5 nucleotides after coding exon 1 in the FH gene. This variant has been observed in at least one individual with a personal and/or family history that is consistent with FH-related disease (Ambry internal data). Another alteration impacting the same donor site (c.132+5G>A) has been observed in multiple individuals with a personal and/or family history that is consistent with FH-related disease (Ambry internal data). This nucleotide position is highly conserved in available vertebrate species. In silico splice site analysis predicts that this alteration will weaken the native splice donor site. This variant is considered to be rare based on population cohorts in the Genome Aggregation Database (gnomAD). Based on the majority of available evidence to date, this variant is likely to be pathogenic.

Labcorp Genetics (formerly Invitae), Labcorp
Classification: Uncertain significance. Last evaluated: 2025-05-19. Review status: criteria provided, single submitter. Criteria: Invitae Variant Classification Sherloc (09022015). Collection method: clinical testing. Allele origin: germline.
Comment: This sequence change falls in intron 1 of the FH gene. It does not directly change the encoded amino acid sequence of the FH protein. It affects a nucleotide within the consensus splice site. This variant is not present in population databases (gnomAD no frequency). This variant has not been reported in the literature in individuals affected with FH-related conditions. ClinVar contains an entry for this variant (Variation ID: 3515099). Variants that disrupt the consensus splice site are a relatively common cause of aberrant splicing (PMID: 17576681, 9536098). Algorithms developed to predict the effect of sequence changes on RNA splicing suggest that this variant may disrupt the consensus splice site. In summary, the available evidence is currently insufficient to determine the role of this variant in disease. Therefore, it has been classified as a Variant of Uncertain Significance.

Literature cited by the submitters: PubMed 17576681 (cited by Labcorp Genetics (formerly Invitae), Labcorp); PubMed 9536098 (cited by Labcorp Genetics (formerly Invitae), Labcorp).

NM_000143.4(FH):c.132+5G>C

Gene: FH (fumarate hydratase; minus strand). Cytogenetic location: 1q43.
Variant type: single nucleotide variant.
Coding change: c.132+5G>C on transcript NM_000143.4 (MANE Select); 5 bases into the intron after coding-DNA position 132, G replaced by C.
Molecular consequence: intron variant.
Genome position (GRCh38, 1-based): chr1:241,519,586, C>G on the plus strand (G>C on the coding strand, the complement: FH is on the minus strand). VCF-style: chr1-241519586-C-G. GRCh37 (hg19) VCF-style: chr1-241682886-C-G.
Identifiers: ClinVar variation 3515099 (VCV003515099.4).